The following is an entry in ClinVar:

ClinVar aggregate classification (germline): Uncertain significance (1 of 4 stars; one submission).

Conditions:
Hereditary pancreatitis (PCTT). Also called: PRSS1-Related Hereditary Pancreatitis; Hereditary chronic pancreatitis. Identifiers: Orphanet 676, MedGen C0238339, MONDO:0008185, OMIM 167800.

gnomAD v4.1: 1 of 1,614,200 alleles (0.000062%); highest among the groups gnomAD compares: Non-Finnish European, 0.000085%; no homozygotes.

Submission:

Ambry Genetics
Classification: Uncertain significance for Hereditary pancreatitis. Last evaluated: 2025-02-15. Review status: criteria provided, single submitter. Criteria: Ambry Variant Classification Scheme 2023. Collection method: clinical testing. Allele origin: germline.
Comment: The p.Q168L variant (also known as c.503A>T), located in coding exon 4 of the PRSS1 gene, results from an A to T substitution at nucleotide position 503. The glutamine at codon 168 is replaced by leucine, an amino acid with dissimilar properties. This amino acid position is conserved. In addition, the in silico prediction for this alteration is inconclusive. Based on the available evidence, the clinical significance of this variant remains unclear.

NM_002769.5(PRSS1):c.503A>T (p.Gln168Leu)

Genes: PRSS1 (serine protease 1; plus strand), TRB (T cell receptor beta locus; plus strand). Cytogenetic location: 7q34.
Variant type: single nucleotide variant.
Coding change: c.503A>T on transcript NM_002769.5 (MANE Select); coding-DNA position 503, A replaced by T.
Protein change: p.Gln168Leu; replaces glutamine 168 with leucine.
Molecular consequence: missense variant. On other transcripts: non-coding transcript variant (5).
Genome position (GRCh38, 1-based): chr7:142,752,479, A>T. VCF-style: chr7-142752479-A-T. GRCh37 (hg19) VCF-style: chr7-142460330-A-T.
Other names: short protein forms Q168L.
Identifiers: ClinVar variation 3783989 (VCV003783989.1).
Genomic context (GRCh38, chr7:142,752,479, plus strand): 5'-TGATCCTCACAGCCGACTACCCAGACGAGCTGCAGTGCCTGGATGCTCCTGTGCTGAGCC[A>T]GGCTAAGTGTGAAGCCTCCTACCCTGGAAAGATTACCAGCAACATGTTCTGTGTGGGCTT-3'
Protein context (NP_002760.1, residues 158-178): LQCLDAPVLS[Gln168Leu]AKCEASYPGK